The following is an entry in ClinVar:

ClinVar aggregate classification (germline): Uncertain significance (1 of 4 stars; one submission).

Conditions:
Nephronophthisis 18 (NPHP18). Identifiers: Orphanet 655, MedGen C3890591, MONDO:0014374, OMIM 615862.

Allele frequency attached by ClinVar (database versions not stated): gnomAD exomes below 0.00001.
gnomAD v4.1: 1 of 1,572,852 alleles (0.000064%); highest among the groups gnomAD compares: Non-Finnish European, 0.000087%; no homozygotes.

Submission:

Labcorp Genetics (formerly Invitae), Labcorp
Classification: Uncertain significance for Nephronophthisis 18. Last evaluated: 2023-06-16. Review status: criteria provided, single submitter. Criteria: Invitae Variant Classification Sherloc (09022015). Collection method: clinical testing. Allele origin: germline.
Comment: This sequence change falls in intron 16 of the CEP83 gene. It does not directly change the encoded amino acid sequence of the CEP83 protein. In summary, the available evidence is currently insufficient to determine the role of this variant in disease. Therefore, it has been classified as a Variant of Uncertain Significance. Algorithms developed to predict the effect of sequence changes on RNA splicing suggest that this variant may disrupt the consensus splice site. This variant has not been reported in the literature in individuals affected with CEP83-related conditions. This variant is not present in population databases (gnomAD no frequency).

NM_016122.3(CEP83):c.2002-12C>G

Gene: CEP83 (centrosomal protein 83; minus strand). Cytogenetic location: 12q22.
Variant type: single nucleotide variant.
Coding change: c.2002-12C>G on transcript NM_016122.3 (MANE Select); 12 bases into the intron before coding-DNA position 2002, C replaced by G.
Molecular consequence: intron variant.
Genome position (GRCh38, 1-based): chr12:94,308,929, G>C on the plus strand (C>G on the coding strand, the complement: CEP83 is on the minus strand). VCF-style: chr12-94308929-G-C. GRCh37 (hg19) VCF-style: chr12-94702705-G-C.
Other names: c.2002-12C>G (NM_001346457.2, NM_001042399.2, NM_001368038.1 and 1 more transcripts); c.1690-12C>G (NM_001346459.2, NM_001346458.2, NM_001368040.1 and 1 more transcripts); c.1777-12C>G (NM_001368041.1).
Identifiers: ClinVar variation 2825873 (VCV002825873.3), dbSNP rs2541053431, ClinGen allele CA2575249092.